The following is an entry in ClinVar:

ClinVar aggregate classification (germline): Uncertain significance. Review status: criteria provided, single submitter (1 of 4 stars). 2 submissions from 2 submitters: Uncertain significance (1). 1 of the submissions does not count toward it. Last evaluated 2021-09-02.

Conditions:
Autosomal recessive polycystic kidney disease (ARPKD). Also called: AR polycystic kidney disease. Identifiers: Orphanet 731, Orphanet 8378, MedGen C0085548, MeSH D017044, MONDO:0009889.

Allele frequency attached by ClinVar (database versions not stated): gnomAD exomes below 0.00001.
gnomAD v4.1: 2 of 1,611,312 alleles (0.00012%); highest among the groups gnomAD compares: South Asian, 0.0011%; no homozygotes.

Submissions (2):

Labcorp Genetics (formerly Invitae), Labcorp
Classification: Uncertain significance for Autosomal recessive polycystic kidney disease. Last evaluated: 2021-09-02. Review status: criteria provided, single submitter. Criteria: Invitae Variant Classification Sherloc (09022015). Collection method: clinical testing. Allele origin: germline.
Comment: This sequence change replaces asparagine with serine at codon 2313 of the PKHD1 protein (p.Asn2313Ser). The asparagine residue is weakly conserved and there is a small physicochemical difference between asparagine and serine. This variant is not present in population databases (ExAC no frequency). This variant has not been reported in the literature in individuals affected with PKHD1-related conditions. Algorithms developed to predict the effect of missense changes on protein structure and function output the following: SIFT: "Tolerated"; PolyPhen-2: "Benign"; Align-GVGD: "Class C0". The serine amino acid residue is found in multiple mammalian species, which suggests that this missense change does not adversely affect protein function. In summary, the available evidence is currently insufficient to determine the role of this variant in disease. Therefore, it has been classified as a Variant of Uncertain Significance.

Natera, Inc.
Classification: Uncertain significance for Autosomal recessive polycystic kidney disease. Last evaluated: 2018-10-02. Review status: no assertion criteria provided. Collection method: clinical testing. Allele origin: germline. Not counted in ClinVar's aggregate classification.

NM_138694.4(PKHD1):c.6938A>G (p.Asn2313Ser)

Gene: PKHD1 (PKHD1 ciliary IPT domain containing fibrocystin/polyductin; minus strand). Cytogenetic location: 6p12.2.
Variant type: single nucleotide variant.
Coding change: c.6938A>G on transcript NM_138694.4 (MANE Select); coding-DNA position 6938, A replaced by G.
Protein change: p.Asn2313Ser; replaces asparagine 2313 with serine.
Molecular consequence: missense variant.
Genome position (GRCh38, 1-based): chr6:51,903,655, T>C on the plus strand (A>G on the coding strand, the complement: PKHD1 is on the minus strand). VCF-style: chr6-51903655-T-C. GRCh37 (hg19) VCF-style: chr6-51768453-T-C.
Other names: c.6938A>G, p.Asn2313Ser (NM_170724.3); short protein forms N2313S.
Identifiers: ClinVar variation 971938 (VCV000971938.11), dbSNP rs1334374415, ClinGen allele CA364429825.
Genomic context (GRCh38, chr6:51,903,655, plus strand): 5'-ACCTCTATAACATTGGTGGGACTGCAGATATAGATGCCAGATGGTGTCAACATTTCAGGA[T>C]TGGAGAGTCCCTCGGCACCAGAAACCTGGATGATCACGTTGTTTCTTATTATATTTCCAT-3'
Protein context (NP_619639.3, residues 2303-2323): IQVSGAEGLS[Asn2313Ser]PEMLTPSGIY